The following is an entry in ClinVar:

ClinVar aggregate classification (germline): Likely benign. Review status: criteria provided, multiple submitters, no conflicts (2 of 4 stars). 4 submissions from 4 submitters: Likely benign (4). Last evaluated 2025-11-03.

Conditions:
Hereditary cancer-predisposing syndrome. Also called: Hereditary Cancer Syndrome; Hereditary neoplastic syndrome; Neoplastic Syndromes, Hereditary; Tumor predisposition. Identifiers: Orphanet 140162, MedGen C0027672, MeSH D009386, MONDO:0015356.
Hereditary nonpolyposis colorectal neoplasms. Identifiers: MedGen C0009405, MeSH D003123.

Allele frequency attached by ClinVar (database versions not stated): TOPMed 0.00001.

Submissions (4):

Labcorp Genetics (formerly Invitae), Labcorp
Classification: Likely benign for Hereditary nonpolyposis colorectal neoplasms. Last evaluated: 2025-11-03. Review status: criteria provided, single submitter. Criteria: Invitae Variant Classification Sherloc (09022015). Collection method: clinical testing. Allele origin: germline.

Center for Genomic Medicine, Rigshospitalet, Copenhagen University Hospital
Classification: Likely benign. Last evaluated: 2025-03-04. Review status: criteria provided, single submitter. Criteria: ACMG Guidelines, 2015. Collection method: clinical testing. Allele origin: germline.

Color Diagnostics, LLC DBA Color Health
Classification: Likely benign for Hereditary cancer-predisposing syndrome. Last evaluated: 2018-04-11. Review status: criteria provided, single submitter. Criteria: ACMG Guidelines, 2015. Collection method: clinical testing. Allele origin: germline.

GeneDx
Classification: Likely benign. Last evaluated: 2016-07-25. Review status: criteria provided, single submitter. Criteria: GeneDx Variant Classification (06012015). Collection method: clinical testing. Allele origin: germline. Affected: yes.
Comment: This variant is considered likely benign or benign based on one or more of the following criteria: it is a conservative change, it occurs at a poorly conserved position in the protein, it is predicted to be benign by multiple in silico algorithms, and/or has population frequency not consistent with disease.

NM_000179.3(MSH6):c.3801+15T>C

Gene: MSH6 (mutS homolog 6; plus strand). Cytogenetic location: 2p16.3.
Variant type: single nucleotide variant.
Coding change: c.3801+15T>C on transcript NM_000179.3 (MANE Select); 15 bases into the intron after coding-DNA position 3801, T replaced by C.
Molecular consequence: intron variant.
Genome position (GRCh38, 1-based): chr2:47,806,373, T>C. VCF-style: chr2-47806373-T-C. GRCh37 (hg19) VCF-style: chr2-48033512-T-C.
Other names: c.2895+15T>C (NM_001281493.2, NM_001281494.2); c.3411+15T>C (NM_001281492.2).
Identifiers: ClinVar variation 388064 (VCV000388064.13), dbSNP rs779720344, ClinGen allele CA072042.
Genomic context (GRCh38, chr2:47,806,373, plus strand): 5'-AGTAGAAGATTATTCTCAAAATGTTGCTGTGCGCCTAGGACATATGGTATGTGCAAATTG[T>C]TTTTTTCCACAAATTCGGTTTTTTGAGAGGGCACTTCTCTTGCTAGCACATGTATCGCTA-3'